The following is an entry in ClinVar:

ClinVar aggregate classification (germline): Uncertain significance (1 of 4 stars; one submission).

Submission:

Women's Health and Genetics/Laboratory Corporation of America, LabCorp
Classification: Uncertain significance. Last evaluated: 2025-03-24. Review status: criteria provided, single submitter. Criteria: LabCorp Variant Classification Summary - May 2015. Collection method: clinical testing. Allele origin: germline.
Comment: Variant summary: SPINK1 c.58A>T (p.Asn20Tyr) results in a non-conservative amino acid change in the encoded protein sequence. Three of five in-silico tools predict a benign effect of the variant on protein function. At least one computation tool (TraP) predicts no significant impact on normal splicing. However, these predictions have yet to be confirmed by functional studies. The variant was absent in 250264 control chromosomes. The available data on variant occurrences in the general population are insufficient to allow any conclusion about variant significance. To our knowledge, no occurrence of c.58A>T in individuals affected with or considered high risk for chronic pancreatitis and no experimental evidence demonstrating its impact on protein function have been reported. No submitters have cited clinical-significance assessments for this variant to ClinVar. Based on the evidence outlined above, the variant was classified as uncertain significance.

NM_001379610.1(SPINK1):c.58A>T (p.Asn20Tyr)

Gene: SPINK1 (serine peptidase inhibitor Kazal type 1; minus strand). Cytogenetic location: 5q32.
Variant type: single nucleotide variant.
Coding change: c.58A>T on transcript NM_001379610.1 (MANE Select); coding-DNA position 58, A replaced by T.
Protein change: p.Asn20Tyr; replaces asparagine 20 with tyrosine.
Molecular consequence: missense variant.
Genome position (GRCh38, 1-based): chr5:147,829,628, T>A on the plus strand (A>T on the coding strand, the complement: SPINK1 is on the minus strand). VCF-style: chr5-147829628-T-A. GRCh37 (hg19) VCF-style: chr5-147209191-T-A.
Other names: c.58A>T, p.Asn20Tyr (NM_001354966.2, NM_003122.5); short protein forms N20Y.
Identifiers: ClinVar variation 3895986 (VCV003895986.1).
Genomic context (GRCh38, chr5:147,829,628, plus strand): 5'-GAGAAATAAGAAATTACAAATATCTCTTTACCTCTCTTCCCAGGGAGTCAGCTCCAGTGT[T>A]ACCTAGAAATAAATCAGATATGGTAAGTTGGGTCCTAAATGAAAGAAGTCAGATCTATTC-3'
Protein context (NP_001366539.1, residues 10-30): SALALLSLSG[Asn20Tyr]TGADSLGREA